The following is an entry in ClinVar:

NM_000518.5(HBB):c.176C>G (p.Pro59Arg)

Genes: HBB (hemoglobin subunit beta; minus strand), LOC106099062 (HBB recombination region; plus strand), LOC107133510 (origin of replication at HBB; plus strand). Cytogenetic location: 11p15.4.
Variant type: single nucleotide variant.
Coding change: c.176C>G on transcript NM_000518.5 (MANE Select); coding-DNA position 176, C replaced by G.
Protein change: p.Pro59Arg; replaces proline 59 with arginine.
Molecular consequence: missense variant.
Genome position (GRCh38, 1-based): chr11:5,226,716, G>C on the plus strand (C>G on the coding strand, the complement: HBB is on the minus strand). VCF-style: chr11-5226716-G-C. GRCh37 (hg19) VCF-style: chr11-5247946-G-C.
Other names: P58R; Hb Dhofar; Hb Yukuhashi; short protein forms P59R.
Identifiers: ClinVar variation 15398 (VCV000015398.5), dbSNP rs33991472, ClinGen allele CA125251.

ClinVar aggregate classification (germline): Uncertain significance. Review status: criteria provided, multiple submitters, no conflicts (2 of 4 stars). 3 submissions from 3 submitters: Uncertain significance (2). 1 of the submissions does not count toward it. Last evaluated 2023-10-05.

Conditions:
Hemoglobinopathy. Also called: Hemoglobin disorder; Haemoglobinopathies. Identifiers: MedGen C0019045, MONDO:0044348.

Submissions (3):

Quest Diagnostics Nichols Institute San Juan Capistrano
Classification: Uncertain significance. Last evaluated: 2023-10-05. Review status: criteria provided, single submitter. Criteria: Quest Diagnostics criteria. Collection method: clinical testing. Allele origin: unknown.

Women's Health and Genetics/Laboratory Corporation of America, LabCorp
Classification: Uncertain significance. Last evaluated: 2022-03-03. Review status: criteria provided, single submitter. Criteria: LabCorp Variant Classification Summary - May 2015. Collection method: clinical testing. Allele origin: germline.
Comment: Variant summary: HBB c.176C>G (p.Pro59Arg) results in a non-conservative amino acid change in the encoded protein sequence. Four of five in-silico tools predict a damaging effect of the variant on protein function. The variant was absent in 251436 control chromosomes (gnomAD). The available data on variant occurrences in the general population are insufficient to allow any conclusion about variant significance. c.176C>G has been reported in the literature mainly as part of a complex allele known as Hb Dhofar, which includes the pathogenic variant c.90C>T ( (p.Gly30=) in cis. Hb Dhofar is common in the Sultanate of Oman where it has been reported in multiple compound heterozygous and homozygous individuals affected with Beta Thalassemia (e.g. Daar_2008). The variant c.176C>G in isolation (initially designated as Hb Yukuhashi), has been reported in at least one heterozygous individual in Japan (e.g. Fujita_1972, Darr_2008) and was determined to not differ significantly from hemoglobin A in oxygen affinity, heme-heme interaction, or the Bohr effect. These reports do not provide unequivocal conclusions about association of c.176C>G with Hemoglobinopathy. No clinical diagnostic laboratories have submitted clinical-significance assessments for this variant to ClinVar after 2014. Based on the evidence outlined above, c.176C>G in isolation was classified as uncertain significance until additional evidence of clinical and/or functional importance become available.

OMIM
Classification: Pathogenic for HEMOGLOBIN YUKUHASHI. Last evaluated: 1968-09-10. Review status: no assertion criteria provided. Collection method: literature only. Allele origin: germline. Not counted in ClinVar's aggregate classification.

Literature cited by the submitters: PubMed 18173741 (cited by Quest Diagnostics Nichols Institute San Juan Capistrano and Women's Health and Genetics/Laboratory Corporation of America, LabCorp); PubMed 5056652 (cited by Quest Diagnostics Nichols Institute San Juan Capistrano and Women's Health and Genetics/Laboratory Corporation of America, LabCorp); PubMed 5684629 (cited by 3 submitters); PubMed 7786794 (cited by Quest Diagnostics Nichols Institute San Juan Capistrano and Women's Health and Genetics/Laboratory Corporation of America, LabCorp); PubMed 1225575 (cited by Women's Health and Genetics/Laboratory Corporation of America, LabCorp); PubMed 20437613 (cited by Women's Health and Genetics/Laboratory Corporation of America, LabCorp); PubMed 5750181 (cited by OMIM).